The following is an entry in ClinVar:

ClinVar aggregate classification (germline): Benign/Likely benign. Review status: criteria provided, multiple submitters, no conflicts (2 of 4 stars). 2 submissions from 2 submitters: Benign (1); Likely benign (1). Last evaluated 2024-08-24.

Conditions:
Hereditary angioedema type 1 (HAE1). Identifiers: Orphanet 100050, Orphanet 100051, Orphanet 91378, MedGen C2717906, MONDO:0015053, OMIM 106100.

Allele frequency attached by ClinVar (database versions not stated): gnomAD below 0.00001 and 0.00004; 1000 Genomes Project 30x 0.00016; 1000 Genomes Project 0.00020; gnomAD exomes 0.00027; ExAC 0.00117.

Submissions (2):

Labcorp Genetics (formerly Invitae), Labcorp
Classification: Likely benign. Last evaluated: 2024-08-24. Review status: criteria provided, single submitter. Criteria: Invitae Variant Classification Sherloc (09022015). Collection method: clinical testing. Allele origin: germline.

Illumina Laboratory Services, Illumina
Classification: Benign for Hereditary angioedema type 1. Last evaluated: 2018-01-13. Review status: criteria provided, single submitter. Criteria: ICSL Variant Classification Criteria 13 December 2019. Collection method: clinical testing. Allele origin: germline.
Comment: This variant was observed in the ICSL laboratory as part of a predisposition screen in an ostensibly healthy population. It had not been previously curated by ICSL or reported in the Human Gene Mutation Database (HGMD: prior to June 1st, 2018), and was therefore a candidate for classification through an automated scoring system. Utilizing variant allele frequency, disease prevalence and penetrance estimates, and inheritance mode, an automated score was calculated to assess if this variant is too frequent to cause the disease. Based on the score and internal cut-off values, a variant classified as benign is not then subjected to further curation. The score for this variant resulted in a classification of benign for this disease.

NM_000062.3(SERPING1):c.51G>C (p.Gly17=)

Gene: SERPING1 (serpin family G member 1; plus strand). Cytogenetic location: 11q12.1.
Variant type: single nucleotide variant.
Coding change: c.51G>C on transcript NM_000062.3 (MANE Select); coding-DNA position 51, G replaced by C.
Protein change: p.Gly17=; no amino-acid change (glycine 17 retained).
Molecular consequence: synonymous variant.
Genome position (GRCh38, 1-based): chr11:57,598,321, G>C. VCF-style: chr11-57598321-G-C. GRCh37 (hg19) VCF-style: chr11-57365794-G-C.
Other names: c.51G>C, p.Gly17= (NM_001032295.2).
Identifiers: ClinVar variation 305017 (VCV000305017.8), dbSNP rs199473715, ClinGen allele CA6007951.
Genomic context (GRCh38, chr11:57,598,321, plus strand): 5'-CGCCGCCCAGATGGCCTCCAGGCTGACCCTGCTGACCCTCCTGCTGCTGCTGCTGGCTGG[G>C]GTATGTGGTCCCTTGTGGGATGGGGGACGGGGGTGGAGACGGGAGGCGGGATGGTGCGGG-3'
Protein context (NP_000053.2, residues 7-27): LLTLLLLLLA[Gly17=]DRASSNPNAT